The following is an entry in ClinVar:

ClinVar aggregate classification (germline): Uncertain significance (1 of 4 stars; one submission).

gnomAD v4.1: 24 of 1,614,018 alleles (0.0015%); highest among the groups gnomAD compares: Non-Finnish European, 0.0017%; no homozygotes.

Submission:

Labcorp Genetics (formerly Invitae), Labcorp
Classification: Uncertain significance. Last evaluated: 2024-06-28. Review status: criteria provided, single submitter. Criteria: Invitae Variant Classification Sherloc (09022015). Collection method: clinical testing. Allele origin: germline.
Comment: This sequence change replaces valine, which is neutral and non-polar, with methionine, which is neutral and non-polar, at codon 585 of the CLCN6 protein (p.Val585Met). This variant is present in population databases (rs781013282, gnomAD 0.003%). This variant has not been reported in the literature in individuals affected with CLCN6-related conditions. An algorithm developed to predict the effect of missense changes on protein structure and function (PolyPhen-2) suggests that this variant is likely to be disruptive. In summary, the available evidence is currently insufficient to determine the role of this variant in disease. Therefore, it has been classified as a Variant of Uncertain Significance.

NM_001286.5(CLCN6):c.1753G>A (p.Val585Met)

Gene: CLCN6 (chloride voltage-gated channel 6; plus strand). Cytogenetic location: 1p36.22.
Variant type: single nucleotide variant.
Coding change: c.1753G>A on transcript NM_001286.5 (MANE Select); coding-DNA position 1753, G replaced by A.
Protein change: p.Val585Met; replaces valine 585 with methionine.
Molecular consequence: missense variant. On other transcripts: non-coding transcript variant (1).
Genome position (GRCh38, 1-based): chr1:11,834,550, G>A. VCF-style: chr1-11834550-G-A. GRCh37 (hg19) VCF-style: chr1-11894607-G-A.
Other names: c.1687G>A, p.Val563Met (NM_001256959.2); short protein forms V563M, V585M.
Identifiers: ClinVar variation 3629278 (VCV003629278.2).